The following is an entry in ClinVar:

ClinVar aggregate classification (germline): Likely benign (1 of 4 stars; one submission).

Conditions:
PEX5-related disorder. Also called: PEX5-Related Disorders; PEX5-related condition.

gnomAD v4.1: 2 of 1,613,096 alleles (0.00012%); highest among the groups gnomAD compares: Non-Finnish European, 0.000085%; no homozygotes.

Submission:

PreventionGenetics, part of Exact Sciences
Classification: Likely benign for PEX5-related condition. Last evaluated: 2026-02-04. Review status: criteria provided, single submitter. Criteria: ACMG Guidelines, 2015. Collection method: clinical testing. Allele origin: germline.
Comment: This variant is classified as likely benign based on ACMG/AMP sequence variant interpretation guidelines (Richards et al. 2015 PMID: 25741868, with internal and published modifications).

NM_001351132.2(PEX5):c.1593C>T (p.Thr531=)

Gene: PEX5 (peroxisomal biogenesis factor 5; plus strand). Cytogenetic location: 12p13.31.
Variant type: single nucleotide variant.
Coding change: c.1593C>T on transcript NM_001351132.2 (MANE Select); coding-DNA position 1593, C replaced by T.
Protein change: p.Thr531=; no amino-acid change (threonine 531 retained).
Molecular consequence: synonymous variant.
Genome position (GRCh38, 1-based): chr12:7,209,715, C>T. VCF-style: chr12-7209715-C-T. GRCh37 (hg19) VCF-style: chr12-7362311-C-T.
Other names: c.1569C>T, p.Thr523= (NM_000319.5); c.1638C>T, p.Thr546= (NM_001131023.2); c.1482C>T, p.Thr494= (NM_001131024.2, NM_001351124.3, NM_001351126.2 and 7 more transcripts); c.1593C>T, p.Thr531= (NM_001131025.2, NM_001131026.2, NM_001300789.3 and 4 more transcripts); c.1527C>T, p.Thr509= (NM_001351135.3, NM_001351138.2); c.1584C>T, p.Thr528= (NM_001351136.2); c.1458C>T, p.Thr486= (NM_001351139.2, NM_001351140.2, NM_001374649.2).
Identifiers: ClinVar variation 5002072 (VCV005002072.1).